The following is an entry in ClinVar:

NC_000002.12:g.47386975A>G

Gene: EPCAM (epithelial cell adhesion molecule; plus strand). Cytogenetic location: 2p21.
Variant type: single nucleotide variant.
Genome position: GRCh38 VCF-style: chr2-47386975-A-G. GRCh37 (hg19) VCF-style: chr2-47614114-A-G.
Other names: c.*362A>G (LRG_215t1, NM_002354.3).
Identifiers: ClinVar variation 336422 (VCV000336422.6), dbSNP rs539981178, ClinGen allele CA10615485.

ClinVar aggregate classification (germline): Likely benign. Review status: criteria provided, single submitter (1 of 4 stars). 3 submissions from 3 submitters: Likely benign (1). 2 of the submissions do not count toward it. Last evaluated 2019-05-28.

Conditions:
Congenital diarrhea 5 with tufting enteropathy. Also called: Congenital tufting enteropathy; INTESTINAL EPITHELIAL CELL DYSPLASIA. Identifiers: Orphanet 92050, MedGen C2750737, MONDO:0013184, OMIM 613217.
EPCAM-related disorder. Also called: EPCAM-related condition.

Allele frequency attached by ClinVar (database versions not stated): 1000 Genomes Project 30x 0.00031; gnomAD 0.00038 and 0.00039; TOPMed 0.00034; gnomAD exomes 0.00024; 1000 Genomes Project 0.00040.
gnomAD v4.1: 77 of 241,342 alleles (0.032%); highest among the groups gnomAD compares: Non-Finnish European, 0.055%; no homozygotes.

Submissions (3):

Mendelics
Classification: Likely benign for Congenital diarrhea 5 with tufting enteropathy. Last evaluated: 2019-05-28. Review status: criteria provided, single submitter. Criteria: Mendelics Assertion Criteria 2017. Collection method: clinical testing. Allele origin: unknown.

PreventionGenetics, part of Exact Sciences
Classification: Likely benign for EPCAM-related condition. Last evaluated: 2023-08-21. Review status: no assertion criteria provided. Collection method: clinical testing. Allele origin: germline. Not counted in ClinVar's aggregate classification.
Comment: This variant is classified as likely benign based on ACMG/AMP sequence variant interpretation guidelines (Richards et al. 2015 PMID: 25741868, with internal and published modifications).

Center for Genomic Medicine, Rigshospitalet, Copenhagen University Hospital
Classification: Likely benign. Last evaluated: 2021-12-07. Review status: no assertion criteria provided. Collection method: clinical testing. Allele origin: germline. Not counted in ClinVar's aggregate classification.